The following is an entry in ClinVar:

NM_000780.4(CYP7A1):c.80+4A>G

Genes: CYP7A1 (cytochrome P450 family 7 subfamily A member 1; minus strand), LOC110596866 (CYP7A1 5' regulatory region; plus strand). Cytogenetic location: 8q12.1.
Variant type: single nucleotide variant.
Coding change: c.80+4A>G on transcript NM_000780.4 (MANE Select); 4 bases into the intron after coding-DNA position 80, A replaced by G.
Molecular consequence: intron variant.
Genome position (GRCh38, 1-based): chr8:58,500,015, T>C on the plus strand (A>G on the coding strand, the complement: CYP7A1 is on the minus strand). VCF-style: chr8-58500015-T-C. GRCh37 (hg19) VCF-style: chr8-59412574-T-C.
Identifiers: ClinVar variation 4983250 (VCV004983250.1).

ClinVar aggregate classification (germline): Likely benign (1 of 4 stars; one submission).

Conditions:
CYP7A1-related disorder. Also called: CYP7A1-related condition.

Submission:

PreventionGenetics, part of Exact Sciences
Classification: Likely benign for CYP7A1-related condition. Last evaluated: 2024-11-07. Review status: criteria provided, single submitter. Criteria: ACMG Guidelines, 2015. Collection method: clinical testing. Allele origin: germline.
Comment: This variant is classified as likely benign based on ACMG/AMP sequence variant interpretation guidelines (Richards et al. 2015 PMID: 25741868, with internal and published modifications).